The following is an entry in ClinVar:

NM_000297.4(PKD2):c.1076G>A (p.Gly359Glu)

Gene: PKD2 (polycystin 2, transient receptor potential cation channel; plus strand). Cytogenetic location: 4q22.1.
Variant type: single nucleotide variant.
Coding change: c.1076G>A on transcript NM_000297.4 (MANE Select); coding-DNA position 1076, G replaced by A.
Protein change: p.Gly359Glu; replaces glycine 359 with glutamic acid.
Molecular consequence: missense variant. On other transcripts: non-coding transcript variant (1).
Genome position (GRCh38, 1-based): chr4:88,038,483, G>A. VCF-style: chr4-88038483-G-A. GRCh37 (hg19) VCF-style: chr4-88959635-G-A.
Other names: short protein forms G359E.
Identifiers: ClinVar variation 3780396 (VCV003780396.2).
Genomic context (GRCh38, chr4:88,038,483, plus strand): 5'-ATGAAATTAAAGAGTGCTATGATGTCTACTCTGTCAGTAGTGAAGATAGGGCTCCCTTTG[G>A]GCCCCGAAATGGAACCGCGTAAGTGTCTGTGACTCATTGCCACTCGGTGATATTCATTCA-3'
Protein context (NP_000288.1, residues 349-369): SVSSEDRAPF[Gly359Glu]PRNGTAWIYT

ClinVar aggregate classification (germline): Uncertain significance. Review status: criteria provided, multiple submitters, no conflicts (2 of 4 stars). 2 submissions from 2 submitters: Uncertain significance (2). Last evaluated 2020-09-01.

Conditions:
Polycystic kidney disease 2 (PKD2). Also called: Polycystic Kidney Disease 2, Autosomal Dominant; POLYCYSTIC KIDNEY DISEASE, ADULT, TYPE II; POLYCYSTIC KIDNEY DISEASE 2 WITH OR WITHOUT POLYCYSTIC LIVER DISEASE. Identifiers: MedGen C2751306, MONDO:0013131, OMIM 613095.

Submissions (2):

Department of Pathology and Laboratory Medicine, Sinai Health System
Classification: Uncertain significance for Polycystic kidney disease 2. Last evaluated: 2020-09-01. Review status: criteria provided, single submitter. Criteria: ACMG Guidelines, 2015. Collection method: clinical testing. Allele origin: germline. Affected: yes.

Juno Genomics, Hangzhou Juno Genomics, Inc
Classification: Uncertain significance for Polycystic kidney disease 2. Review status: criteria provided, single submitter. Criteria: ACMG Guidelines, 2015. Collection method: clinical testing. Allele origin: germline. Affected: yes.
Comment: Absent from controls (or at extremely low frequency if recessive) in Genome Aggregation Database.;Multiple lines of computational evidence support a deleterious effect on the gene or gene product.;Patient's phenotype or family history is highly specific for a disease with a single genetic etiology.